The following is an entry in ClinVar:

ClinVar aggregate classification (germline): Pathogenic (1 of 4 stars; one submission).

Conditions:
Familial cancer of breast. Also called: Hereditary breast cancer; BREAST CANCER, FAMILIAL; hereditary breast carcinoma. Identifiers: Orphanet 227535, MedGen C0346153, MONDO:0016419, OMIM 114480. Disease mechanism: loss of function.

Submission:

Myriad Genetics, Inc.
Classification: Pathogenic for Familial cancer of breast. Last evaluated: 2023-05-30. Review status: criteria provided, single submitter. Criteria: Myriad Autosomal Dominant, Autosomal Recessive and X-Linked Classification Criteria (2023). Collection method: clinical testing. Allele origin: unknown.
Comment: This variant is considered pathogenic. This variant creates a frameshift predicted to result in premature protein truncation.

NM_032043.3(BRIP1):c.176_180delinsTTGCAGTTACAAAACAAAGCATGGCAACAATCTC (p.Ser59fs)

Gene: BRIP1 (BRCA1 interacting DNA helicase 1; minus strand). Cytogenetic location: 17q23.2.
Variant type: Indel.
Coding change: c.176_180delinsTTGCAGTTACAAAACAAAGCATGGCAACAATCTC on transcript NM_032043.3 (MANE Select); coding-DNA positions 176 to 180, the reference bases replaced by an inserted sequence.
Protein change: p.Ser59fs; shifts the reading frame from serine 59.
Molecular consequence: frameshift variant.
Genome position (GRCh38, 1-based): chr17:61,859,821-61,859,825, 5 bases replaced. GRCh37 (hg19): chr17:59,937,182-59,937,186.
Other names: short protein forms S59fs.
Identifiers: ClinVar variation 2583502 (VCV002583502.2), dbSNP rs2545471798, ClinGen allele CA2582342257.
Genomic context (GRCh38, chr17:61,859,821, plus strand): 5'-AGTAAGTAACCTGAAGATATCAAGCAACTACTTACCACTAAGAGATTGTTGCCATGCTAA[AGCAG>GAGATTGTTGCCATGCTTTGTTTTGTAACTGCAA]AACAAAGTAAGGCTAAGCTTTTTCCACTTCCTGTGGGACTCTCCAACAAACAATGTTGCT-3'